The following is an entry in ClinVar:

NM_001371623.1(TCOF1):c.1502G>A (p.Gly501Glu)

Gene: TCOF1 (treacle ribosome biogenesis factor 1; plus strand). Cytogenetic location: 5q32.
Variant type: single nucleotide variant.
Coding change: c.1502G>A on transcript NM_001371623.1 (MANE Select); coding-DNA position 1502, G replaced by A.
Protein change: p.Gly501Glu; replaces glycine 501 with glutamic acid.
Molecular consequence: missense variant.
Genome position (GRCh38, 1-based): chr5:150,375,352, G>A. VCF-style: chr5-150375352-G-A. GRCh37 (hg19) VCF-style: chr5-149754915-G-A.
Other names: c.1271G>A, p.Gly424Glu (NM_000356.4, NM_001135245.2); c.1502G>A, p.Gly501Glu (NM_001008657.3, NM_001135243.2, NM_001135244.2 and 1 more transcripts); short protein forms G424E, G501E.
Identifiers: ClinVar variation 1174270 (VCV001174270.9), dbSNP rs201581867, ClinGen allele CA3510898.

ClinVar aggregate classification (germline): Conflicting classifications of pathogenicity. Review status: criteria provided, conflicting classifications (1 of 4 stars). 5 submissions from 5 submitters: Uncertain significance (1); Benign (1); Likely benign (3). Last evaluated 2026-06-02.

Conditions:
TCOF1-related disorder. Also called: TCOF1-related condition.
Inborn genetic diseases. Identifiers: MedGen C0950123, MeSH D030342.
Treacher Collins syndrome 1 (TCS1). Also called: TCOF1-Related Treacher Collins Syndrome. Identifiers: Orphanet 861, MedGen CN315775, MONDO:0007944, OMIM 154500.

Allele frequency attached by ClinVar (database versions not stated): gnomAD exomes 0.00004 and 0.00010; ExAC 0.00010; 1000 Genomes Project 30x 0.00031; 1000 Genomes Project 0.00040; gnomAD 0.00046 and 0.00048; TOPMed 0.00053; ESP Exome Variant Server 0.00070.
gnomAD v4.1: 133 of 1,611,594 alleles (0.0083%); highest among the groups gnomAD compares: African/African-American, 0.17%; no homozygotes.

Submissions (5):

PreventionGenetics, part of Exact Sciences
Classification: Likely benign for TCOF1-related condition. Last evaluated: 2026-06-02. Review status: criteria provided, single submitter. Criteria: ACMG Guidelines, 2015. Collection method: clinical testing. Allele origin: germline.
Comment: This variant is classified as likely benign based on ACMG/AMP sequence variant interpretation guidelines (Richards et al. 2015 PMID: 25741868, with internal and published modifications).

Labcorp Genetics (formerly Invitae), Labcorp
Classification: Likely benign for Treacher Collins syndrome 1. Last evaluated: 2026-01-12. Review status: criteria provided, single submitter. Criteria: Invitae Variant Classification Sherloc (09022015). Collection method: clinical testing. Allele origin: germline.

Ambry Genetics
Classification: Uncertain significance for Inborn genetic diseases. Last evaluated: 2022-09-22. Review status: criteria provided, single submitter. Criteria: Ambry Variant Classification Scheme 2023. Collection method: clinical testing. Allele origin: germline.

Blueprint Genetics
Classification: Likely benign. Last evaluated: 2021-05-21. Review status: criteria provided, single submitter. Criteria: ACMG Guidelines, 2015. Collection method: clinical testing. Allele origin: germline.

GeneDx
Classification: Benign. Last evaluated: 2020-02-25. Review status: criteria provided, single submitter. Criteria: GeneDx Variant Classification (06012015). Collection method: clinical testing. Allele origin: germline. Affected: yes.